The following is an entry in ClinVar:

NM_004629.2(FANCG):c.925G>T (p.Ala309Ser)

Gene: FANCG (FA complementation group G; minus strand). Cytogenetic location: 9p13.3.
Variant type: single nucleotide variant.
Coding change: c.925G>T on transcript NM_004629.2 (MANE Select); coding-DNA position 925, G replaced by T.
Protein change: p.Ala309Ser; replaces alanine 309 with serine.
Molecular consequence: missense variant.
Genome position (GRCh38, 1-based): chr9:35,076,583, C>A on the plus strand (G>T on the coding strand, the complement: FANCG is on the minus strand). VCF-style: chr9-35076583-C-A. GRCh37 (hg19) VCF-style: chr9-35076580-C-A.
Other names: short protein forms A309S.
Identifiers: ClinVar variation 3848399 (VCV003848399.1).

ClinVar aggregate classification (germline): Uncertain significance (1 of 4 stars; one submission).

Conditions:
Inborn genetic diseases. Identifiers: MedGen C0950123, MeSH D030342.

Submission:

Ambry Genetics
Classification: Uncertain significance for Inborn genetic diseases. Last evaluated: 2025-01-08. Review status: criteria provided, single submitter. Criteria: Ambry Variant Classification Scheme 2023. Collection method: clinical testing. Allele origin: germline.
Comment: The p.A309S variant (also known as c.925G>T) is located in coding exon 8 of the FANCG gene. The alanine at codon 309 is replaced by serine, an amino acid with similar properties. This change occurs in the first base pair of coding exon 8. This amino acid position is conserved. In addition, this alteration is predicted to be tolerated by in silico analysis. Based on the available evidence, the clinical significance of this variant remains unclear.